The following is an entry in ClinVar:

NM_001042492.3(NF1):c.2015G>T (p.Gly672Val)

Gene: NF1 (neurofibromin 1; plus strand). Cytogenetic location: 17q11.2.
Variant type: single nucleotide variant.
Coding change: c.2015G>T on transcript NM_001042492.3 (MANE Select); coding-DNA position 2015, G replaced by T.
Protein change: p.Gly672Val; replaces glycine 672 with valine.
Molecular consequence: missense variant.
Genome position (GRCh38, 1-based): chr17:31,226,448, G>T. VCF-style: chr17-31226448-G-T. GRCh37 (hg19) VCF-style: chr17-29553466-G-T.
Other names: c.2015G>T, p.Gly672Val (NM_000267.4); short protein forms G672V.
Identifiers: ClinVar variation 142707 (VCV000142707.19), dbSNP rs371817372, ClinGen allele CA169205.

ClinVar aggregate classification (germline): Conflicting classifications of pathogenicity. Review status: criteria provided, conflicting classifications (1 of 4 stars). 7 submissions from 6 submitters: Uncertain significance (5); Benign (1); Likely benign (1). Last evaluated 2026-01-28.

Conditions:
Hereditary cancer-predisposing syndrome. Also called: Neoplastic Syndromes, Hereditary; Hereditary Cancer Syndrome; Hereditary neoplastic syndrome; Tumor predisposition. Identifiers: Orphanet 140162, MedGen C0027672, MeSH D009386, MONDO:0015356.
Cardiovascular phenotype. Identifiers: MedGen CN230736.
Juvenile myelomonocytic leukemia (JMML). Also called: LEUKEMIA, JUVENILE MYELOMONOCYTIC, SOMATIC. Identifiers: Orphanet 86834, MedGen C0349639, MONDO:0011908, OMIM 607785, HP:0012209.
Neurofibromatosis, type 1 (NF1). Also called: VON RECKLINGHAUSEN DISEASE; Neurofibromatosis, type I; NEUROFIBROMATOSIS, TYPE I, SOMATIC; Peripheral type neurofibromatosis. Identifiers: Orphanet 636, MedGen C0027831, MONDO:0018975, OMIM 162200. Disease mechanism: loss of function.

Allele frequency attached by ClinVar (database versions not stated): ExAC 0.00001; ESP Exome Variant Server 0.00008; gnomAD exomes below 0.00001.
gnomAD v4.1: 8 of 1,613,436 alleles (0.0005%); highest among the groups gnomAD compares: South Asian, 0.0022%; no homozygotes.

Submissions (7):

Labcorp Genetics (formerly Invitae), Labcorp
Classification: Benign for Neurofibromatosis, type 1. Last evaluated: 2026-01-28. Review status: criteria provided, single submitter. Criteria: Invitae Variant Classification Sherloc (09022015). Collection method: clinical testing. Allele origin: germline.

Quest Diagnostics Nichols Institute San Juan Capistrano
Classification: Uncertain significance. Last evaluated: 2025-08-12. Review status: criteria provided, single submitter. Criteria: Quest Diagnostics criteria. Collection method: clinical testing. Allele origin: unknown.

Baylor Genetics
Classification: Uncertain significance for Juvenile myelomonocytic leukemia. Last evaluated: 2023-07-21. Review status: criteria provided, single submitter. Criteria: ACMG Guidelines, 2015. Collection method: clinical testing. Allele origin: unknown.

GeneDx
Classification: Uncertain significance. Last evaluated: 2022-11-30. Review status: criteria provided, single submitter. Criteria: GeneDx Variant Classification Process June 2021. Collection method: clinical testing. Allele origin: germline. Affected: yes.
Comment: In silico analysis supports that this missense variant does not alter protein structure/function; Has not been previously published as pathogenic or benign to our knowledge; This variant is associated with the following publications: (PMID: 25486365)

Ambry Genetics
Classification: Likely benign for Cardiovascular phenotype; Hereditary cancer-predisposing syndrome. Last evaluated: 2022-05-24. Review status: criteria provided, single submitter. Criteria: Ambry Variant Classification Scheme 2023. Collection method: clinical testing. Allele origin: germline.

Genome-Nilou Lab
Classification: Uncertain significance for Neurofibromatosis, type 1. Last evaluated: 2022-03-15. Review status: criteria provided, single submitter. Criteria: ACMG Guidelines, 2015. Collection method: clinical testing. Allele origin: germline. Affected: no.

Ambry Genetics
Classification: Uncertain significance for Hereditary cancer-predisposing syndrome. Last evaluated: 2016-01-11. Review status: criteria provided, single submitter. Criteria: Ambry Autosomal Dominant and X-Linked criteria (10/2015). Collection method: clinical testing. Allele origin: germline. Observed: 1 variant allele.
Comment: The p.G672V variant (also known as c.2015G>T), located in coding exon 18 of the NF1 gene, results from a G to T substitution at nucleotide position 2015. The glycine at codon 672 is replaced by valine, an amino acid with dissimilar properties. Based on data from the NHLBI Exome Sequencing Project (ESP), the T allele has an overall frequency of approximately 0.01% (1/13006) total alleles studied, having been observed in0.01% (1/8600) European American alleles. To date, this alteration has been detected with an allele frequency of approximately 0.002% (greater than 110000 alleles tested) in our clinical cohort. This amino acid position is well conserved in available vertebrate species. In addition, this alteration is predicted to be tolerated by in silico analysis. Since supporting evidence is limited at this time, the clinical significance of p.G672V remains unclear.